The following is an entry in ClinVar:

ClinVar aggregate classification (germline): Pathogenic (1 of 4 stars; one submission).

Conditions:
Polyglandular autoimmune syndrome, type 1 (APS1). Also called: AUTOIMMUNE POLYENDOCRINE SYNDROME, TYPE I, WITH OR WITHOUT REVERSIBLE METAPHYSEAL DYSPLASIA; APS I; PGA I; HYPOADRENOCORTICISM WITH HYPOPARATHYROIDISM AND SUPERFICIAL MONILIASIS; Autoimmune polyendocrine syndrome type 1; Autoimmune polyendocrinopathy syndrome, type I. Identifiers: Orphanet 3453, MedGen C0085859, MONDO:0009411, OMIM 240300.

Submission:

Labcorp Genetics (formerly Invitae), Labcorp
Classification: Pathogenic for Polyglandular autoimmune syndrome, type 1. Last evaluated: 2022-03-14. Review status: criteria provided, single submitter. Criteria: Invitae Variant Classification Sherloc (09022015). Collection method: clinical testing. Allele origin: germline.
Comment: For these reasons, this variant has been classified as Pathogenic. This variant has not been reported in the literature in individuals affected with AIRE-related conditions. This variant is not present in population databases (gnomAD no frequency). This sequence change creates a premature translational stop signal (p.Asp36Alafs*14) in the AIRE gene. It is expected to result in an absent or disrupted protein product. Loss-of-function variants in AIRE are known to be pathogenic (PMID: 11524731, 26141571).

Literature cited by the submitters: PubMed 11524731; PubMed 26141571.

NM_000383.4(AIRE):c.107del (p.Asp36fs)

Gene: AIRE (autoimmune regulator; plus strand). Cytogenetic location: 21q22.3.
Variant type: Deletion.
Coding change: c.107del on transcript NM_000383.4 (MANE Select); coding-DNA position 107, one base deleted (A; older notation c.107delA).
Protein change: p.Asp36fs; shifts the reading frame from aspartic acid 36.
Molecular consequence: frameshift variant.
Genome position (GRCh38, 1-based): chr21:44,286,113, A deleted. VCF-style (leftmost placement, unchanged base first): chr21-44286112-GA-G. GRCh37 (hg19) VCF-style: chr21-45705995-GA-G.
Other names: short protein forms D36fs.
Identifiers: ClinVar variation 1967884 (VCV001967884.5), dbSNP rs2517875693, ClinGen allele CA2580098808.